The following is an entry in ClinVar:

ClinVar aggregate classification (germline): Uncertain significance (1 of 4 stars; one submission).

Conditions:
Retinoblastoma (RB1). Also called: RETINOBLASTOMA, SOMATIC. Identifiers: Orphanet 790, MedGen C0035335, MeSH D012175, MONDO:0008380, OMIM 180200, HP:0009919. Disease mechanism: loss of function. Inheritance: Both sporadic and heritable forms are tested..

gnomAD v4.1: 2 of 1,370,418 alleles (0.00015%); highest among the groups gnomAD compares: Non-Finnish European, 0.00019%; no homozygotes.

Submission:

Labcorp Genetics (formerly Invitae), Labcorp
Classification: Uncertain significance for Retinoblastoma. Last evaluated: 2025-10-27. Review status: criteria provided, single submitter. Criteria: Invitae Variant Classification Sherloc (09022015). Collection method: clinical testing. Allele origin: germline.
Comment: This variant occurs in a non-coding region of the RB1 gene. It does not change the encoded amino acid sequence of the RB1 protein. This variant is not present in population databases (gnomAD no frequency). This variant has not been reported in the literature in individuals affected with RB1-related conditions. ClinVar contains an entry for this variant (Variation ID: 3632675). In summary, the available evidence is currently insufficient to determine the role of this variant in disease. Therefore, it has been classified as a Variant of Uncertain Significance.

NM_000321.3(RB1):c.-134G>A

Gene: RB1 (RB transcriptional corepressor 1; plus strand). Cytogenetic location: 13q14.2.
Variant type: single nucleotide variant.
Coding change: c.-134G>A on transcript NM_000321.3 (MANE Select); 134 bases upstream of the start codon, G replaced by A.
Molecular consequence: 5 prime UTR variant.
Genome position (GRCh38, 1-based): chr13:48,303,779, G>A. VCF-style: chr13-48303779-G-A. GRCh37 (hg19) VCF-style: chr13-48877915-G-A.
Other names: c.-134G>A (NM_001407165.1, NM_001407166.1, NM_001407167.1).
Identifiers: ClinVar variation 3632675 (VCV003632675.2).
Genomic context (GRCh38, chr13:48,303,779, plus strand): 5'-GTGACGTTTTCCCGCGGTTGGACGCGGCGCTCAGTTGCCGGGCGGGGGAGGGCGCGTCCG[G>A]TTTTTCTCAGGGGACGTTGAAATTATTTTTGTAACGGGAGTCGGGAGAGGACGGGGCGTG-3'